The following is an entry in ClinVar:

ClinVar aggregate classification (germline): Pathogenic/Likely pathogenic. Review status: criteria provided, multiple submitters, no conflicts (2 of 4 stars). 2 submissions from 2 submitters: Pathogenic (1); Likely pathogenic (1). Last evaluated 2020-09-24.

Conditions:
VACTERL association, X-linked, with or without hydrocephalus (VACTERLX). Also called: X-linked VACTERL-H syndrome; VACTERL Association with Hydrocephalus, X-linked; VACTERL-H, X-LINKED; VACTERL ASSOCIATION, X-LINKED. Identifiers: Orphanet 3412, MedGen C2931228, MONDO:0010752, OMIM 314390.
Heterotaxy, visceral, 1, X-linked (HTX1). Also called: DEXTROCARDIA WITH OTHER CARDIAC MALFORMATIONS; SITUS INVERSUS, COMPLEX CARDIAC DEFECTS, AND SPLENIC DEFECTS, X-LINKED; Laterality, X-linked; Visceral heterotaxia. Identifiers: Orphanet 450, MedGen C1844020, MONDO:0010607, OMIM 306955.

Submissions (2):

Labcorp Genetics (formerly Invitae), Labcorp
Classification: Pathogenic for Heterotaxy, visceral, 1, X-linked. Last evaluated: 2020-09-24. Review status: criteria provided, single submitter. Criteria: Invitae Variant Classification Sherloc (09022015). Collection method: clinical testing. Allele origin: germline.
Comment: This variant disrupts the C-terminus of the ZIC3 protein. Other variant(s) that disrupt this region (p.Lys408*) have been determined to be pathogenic (PMID: 32753700, 10980576, 14681828). This suggests that variants that disrupt this region of the protein are likely to be causative of disease. For these reasons, this variant has been classified as Pathogenic. Experimental studies and prediction algorithms are not available or were not evaluated, and the functional significance of this variant is currently unknown. This sequence change results in a premature translational stop signal in the ZIC3 gene (p.Arg368Profs*40). While this is not anticipated to result in nonsense mediated decay, it is expected to disrupt the last 100 amino acids of the ZIC3 protein. This variant is not present in population databases (ExAC no frequency). This variant has not been reported in the literature in individuals with ZIC3-related conditions.

New York Genome Center
Classification: Likely pathogenic for VACTERL association, X-linked, with or without hydrocephalus. Last evaluated: 2020-05-12. Review status: criteria provided, single submitter. Criteria: NYGC Assertion Criteria 2020. Collection method: clinical testing. Allele origin: inherited. Observed: 1 heterozygote. Study: CSER-NYCKidSeq.
Comment: This variant leads to the frameshift within the 4th zinc finger domain of the protein (UniProtKB: O60481), and is predicted to alter the sequence of the 4th and 5th zinc finger domain, and lead to the premature termination of the protein within the 5th zinc finger domain. This variant is absent from gnomAD (v3.0) suggesting it is not a common benign variant in the populations represented in that database. This variant is absent from ClinVar and to our current knowledge has not been reported in affected individuals in the literature, although a nonsense variant downstream of the one identified in this individual has been reported in an individual with isolated congenital heart defect (p.Lys408Ter [PMID:10980576]), and was found to reduce transactivation potential of ZIC3 as well as alter subcellular localization of the protein [PMID:14681828]. Additional individuals have been reported with missense variants in the 4th and 5th zinc finger domains of ZIC3, suggesting these domains are critical to ZIC3 function [PMID:14681828; PMID:21864452].

Literature cited by the submitters: PubMed 32753700 (cited by Labcorp Genetics (formerly Invitae), Labcorp); PubMed 10980576 (cited by Labcorp Genetics (formerly Invitae), Labcorp); PubMed 14681828 (cited by Labcorp Genetics (formerly Invitae), Labcorp).

NM_003413.4(ZIC3):c.1103del (p.Arg368fs)

Gene: ZIC3 (Zic family zinc finger 3; plus strand). Cytogenetic location: Xq26.3.
Variant type: Deletion.
Coding change: c.1103del on transcript NM_003413.4 (MANE Select); coding-DNA position 1103, one base deleted (G; older notation c.1103delG).
Protein change: p.Arg368fs; shifts the reading frame from arginine 368.
Molecular consequence: frameshift variant.
Genome position (GRCh38, 1-based): chrX:137,568,944, G deleted. VCF-style (leftmost placement, unchanged base first): chrX-137568943-CG-C. GRCh37 (hg19) VCF-style: chrX-136651102-CG-C.
Other names: c.1103del, p.Arg368fs (NM_001330661.1); short protein forms R368fs.
Identifiers: ClinVar variation 1074222 (VCV001074222.10), dbSNP rs2124185586, ClinGen allele CA2499226392.